The following is an entry in ClinVar:

ClinVar aggregate classification (germline): Conflicting classifications of pathogenicity. Review status: criteria provided, conflicting classifications (1 of 4 stars). 11 submissions from 11 submitters: Uncertain significance (1); Benign (3); Likely benign (5). 2 of the submissions do not count toward it. Last evaluated 2026-01-12.

Conditions:
FANCC-related disorder. Also called: FANCC-related condition.
Hereditary cancer-predisposing syndrome. Also called: Hereditary Cancer Syndrome; Tumor predisposition; Neoplastic Syndromes, Hereditary; Hereditary neoplastic syndrome. Identifiers: Orphanet 140162, MedGen C0027672, MeSH D009386, MONDO:0015356.
Fanconi anemia (FA). Also called: Fanconi's anemia. Identifiers: Orphanet 84, MedGen C0015625, MeSH D005199, MONDO:0019391.
Fanconi anemia complementation group C (FANCC). Also called: FANCC-Related Fanconi Anemia; Fanconi anemia, group C; FANCONI PANCYTOPENIA, TYPE 3; FACC. Identifiers: Orphanet 84, MedGen C3468041, MONDO:0009213, OMIM 227645.

Allele frequency attached by ClinVar (database versions not stated): TOPMed 0.00008; ESP Exome Variant Server 0.00015; gnomAD exomes 0.00010 and 0.00012; gnomAD 0.00011 and 0.00010; ExAC 0.00007.
gnomAD v4.1: 166 of 1,614,022 alleles (0.01%); highest among the groups gnomAD compares: Non-Finnish European, 0.0082%; 1 homozygote.

Submissions (11):

Labcorp Genetics (formerly Invitae), Labcorp
Classification: Likely benign for Fanconi anemia. Last evaluated: 2026-01-12. Review status: criteria provided, single submitter. Criteria: Invitae Variant Classification Sherloc (09022015). Collection method: clinical testing. Allele origin: germline.

Quest Diagnostics Nichols Institute San Juan Capistrano
Classification: Benign. Last evaluated: 2025-08-22. Review status: criteria provided, single submitter. Criteria: Quest Diagnostics criteria. Collection method: clinical testing. Allele origin: unknown.

Blueprint Genetics
Classification: Likely benign. Last evaluated: 2023-10-13. Review status: criteria provided, single submitter. Criteria: ACMG Guidelines, 2015. Collection method: clinical testing. Allele origin: germline.

KCCC/NGS Laboratory, Kuwait Cancer Control Center
Classification: Benign for Fanconi anemia complementation group C. Last evaluated: 2023-07-07. Review status: criteria provided, single submitter. Criteria: ACMG Guidelines, 2015. Collection method: clinical testing. Allele origin: germline. Affected: yes.

Women's Health and Genetics/Laboratory Corporation of America, LabCorp
Classification: Likely benign. Last evaluated: 2022-07-01. Review status: criteria provided, single submitter. Criteria: LabCorp Variant Classification Summary - May 2015. Collection method: clinical testing. Allele origin: germline.

Department of Pathology and Laboratory Medicine, Sinai Health System
Classification: Likely benign for Fanconi anemia complementation group C. Last evaluated: 2019-11-13. Review status: criteria provided, single submitter. Criteria: ACMG Guidelines, 2015. Collection method: clinical testing. Allele origin: germline. Affected: yes.

Ambry Genetics
Classification: Likely benign for Hereditary cancer-predisposing syndrome. Last evaluated: 2018-02-14. Review status: criteria provided, single submitter. Criteria: Ambry Variant Classification Scheme 2023. Collection method: clinical testing. Allele origin: germline.

Illumina Laboratory Services, Illumina
Classification: Uncertain significance for Fanconi anemia complementation group C. Last evaluated: 2018-01-12. Review status: criteria provided, single submitter. Criteria: ICSL Variant Classification Criteria 13 December 2019. Collection method: clinical testing. Allele origin: germline.

GeneDx
Classification: Benign. Last evaluated: 2014-10-09. Review status: criteria provided, single submitter. Criteria: GeneDx Variant Classification (06012015). Collection method: clinical testing. Allele origin: germline. Affected: yes.
Comment: This variant is considered likely benign or benign based on one or more of the following criteria: it is a conservative change, it occurs at a poorly conserved position in the protein, it is predicted to be benign by multiple in silico algorithms, and/or has population frequency not consistent with disease.

PreventionGenetics, part of Exact Sciences
Classification: Likely benign for FANCC-related condition. Last evaluated: 2020-10-05. Review status: no assertion criteria provided. Collection method: clinical testing. Allele origin: germline. Not counted in ClinVar's aggregate classification.
Comment: This variant is classified as likely benign based on ACMG/AMP sequence variant interpretation guidelines (Richards et al. 2015 PMID: 25741868, with internal and published modifications).

Natera, Inc.
Classification: Likely benign for Fanconi anemia. Last evaluated: 2018-05-31. Review status: no assertion criteria provided. Collection method: clinical testing. Allele origin: germline. Not counted in ClinVar's aggregate classification.

NM_000136.3(FANCC):c.1509G>A (p.Thr503=)

Genes: AOPEP (aminopeptidase O (putative); plus strand), FANCC (FA complementation group C; minus strand). Cytogenetic location: 9q22.32.
Variant type: single nucleotide variant.
Coding change: c.1509G>A on transcript NM_000136.3 (MANE Select); coding-DNA position 1509, G replaced by A.
Protein change: p.Thr503=; no amino-acid change (threonine 503 retained).
Molecular consequence: synonymous variant.
Genome position (GRCh38, 1-based): chr9:95,107,090, C>T on the plus strand (G>A on the coding strand, the complement: FANCC is on the minus strand). VCF-style: chr9-95107090-C-T. GRCh37 (hg19) VCF-style: chr9-97869372-C-T.
Other names: p.T503T:ACG>ACA; c.1509G>A, p.Thr503= (NM_001243743.2).
Identifiers: ClinVar variation 182501 (VCV000182501.37), dbSNP rs144278080, ClinGen allele CA299226.